The following is an entry in ClinVar:

NM_002439.5(MSH3):c.1684T>C (p.Trp562Arg)

Gene: MSH3 (mutS homolog 3; plus strand). Cytogenetic location: 5q14.1.
Variant type: single nucleotide variant.
Coding change: c.1684T>C on transcript NM_002439.5 (MANE Select); coding-DNA position 1684, T replaced by C.
Protein change: p.Trp562Arg; replaces tryptophan 562 with arginine.
Molecular consequence: missense variant.
Genome position (GRCh38, 1-based): chr5:80,744,536, T>C. VCF-style: chr5-80744536-T-C. GRCh37 (hg19) VCF-style: chr5-80040355-T-C.
Other names: short protein forms W562R.
Identifiers: ClinVar variation 1715893 (VCV001715893.6), dbSNP rs2546762044, ClinGen allele CA360274683.

ClinVar aggregate classification (germline): Uncertain significance. Review status: criteria provided, multiple submitters, no conflicts (2 of 4 stars). 2 submissions from 2 submitters: Uncertain significance (2). Last evaluated 2022-08-09.

Submissions (2):

Labcorp Genetics (formerly Invitae), Labcorp
Classification: Uncertain significance. Last evaluated: 2022-08-09. Review status: criteria provided, single submitter. Criteria: Invitae Variant Classification Sherloc (09022015). Collection method: clinical testing. Allele origin: germline.
Comment: This variant has not been reported in the literature in individuals affected with MSH3-related conditions. Algorithms developed to predict the effect of missense changes on protein structure and function are either unavailable or do not agree on the potential impact of this missense change (SIFT: "Deleterious"; PolyPhen-2: "Probably Damaging"; Align-GVGD: "Class C0"). In summary, the available evidence is currently insufficient to determine the role of this variant in disease. Therefore, it has been classified as a Variant of Uncertain Significance. This variant is not present in population databases (gnomAD no frequency). This sequence change replaces tryptophan, which is neutral and slightly polar, with arginine, which is basic and polar, at codon 562 of the MSH3 protein (p.Trp562Arg).

Quest Diagnostics Nichols Institute San Juan Capistrano
Classification: Uncertain significance. Last evaluated: 2021-07-06. Review status: criteria provided, single submitter. Criteria: Quest Diagnostics criteria. Collection method: clinical testing. Allele origin: unknown.